The following is an entry in ClinVar:

NM_174916.3(UBR1):c.4612A>G (p.Ser1538Gly)

Gene: UBR1 (ubiquitin protein ligase E3 component n-recognin 1; minus strand). Cytogenetic location: 15q15.2.
Variant type: single nucleotide variant.
Coding change: c.4612A>G on transcript NM_174916.3 (MANE Select); coding-DNA position 4612, A replaced by G.
Protein change: p.Ser1538Gly; replaces serine 1538 with glycine.
Molecular consequence: missense variant.
Genome position (GRCh38, 1-based): chr15:42,964,023, T>C on the plus strand (A>G on the coding strand, the complement: UBR1 is on the minus strand). VCF-style: chr15-42964023-T-C. GRCh37 (hg19) VCF-style: chr15-43256221-T-C.
Other names: short protein forms S1538G.
Identifiers: ClinVar variation 3251753 (VCV003251753.1), dbSNP rs201384130.

ClinVar aggregate classification (germline): Uncertain significance (1 of 4 stars; one submission).

gnomAD v4.1: 2 of 1,612,648 alleles (0.00012%); highest among the groups gnomAD compares: East Asian, 0.0022%; no homozygotes.

Submission:

Women's Health and Genetics/Laboratory Corporation of America, LabCorp
Classification: Uncertain significance. Last evaluated: 2024-04-23. Review status: criteria provided, single submitter. Criteria: LabCorp Variant Classification Summary - May 2015. Collection method: clinical testing. Allele origin: germline.
Comment: Variant summary: UBR1 c.4612A>G (p.Ser1538Gly) results in a non-conservative amino acid change located in the E3 ubiquitin-protein ligase UBR-like, C-terminal domain (IPR044046) of the encoded protein sequence. Three of five in-silico tools predict a benign effect of the variant on protein function. The variant was absent in 251102 control chromosomes. The available data on variant occurrences in the general population are insufficient to allow any conclusion about variant significance. To our knowledge, no occurrence of c.4612A>G in individuals affected with Johanson-Blizzard Syndrome and no experimental evidence demonstrating its impact on protein function have been reported. No submitters have cited clinical-significance assessments for this variant to ClinVar. Based on the evidence outlined above, the variant was classified as uncertain significance.